The following is an entry in ClinVar:

NM_014697.3(NOS1AP):c.654C>T (p.Ile218=)

Gene: NOS1AP (nitric oxide synthase 1 adaptor protein; plus strand). Cytogenetic location: 1q23.3.
Variant type: single nucleotide variant.
Coding change: c.654C>T on transcript NM_014697.3 (MANE Select); coding-DNA position 654, C replaced by T.
Protein change: p.Ile218=; no amino-acid change (isoleucine 218 retained).
Molecular consequence: synonymous variant.
Genome position (GRCh38, 1-based): chr1:162,355,245, C>T. VCF-style: chr1-162355245-C-T. GRCh37 (hg19) VCF-style: chr1-162325035-C-T.
Other names: c.639C>T, p.Ile213= (NM_001164757.2).
Identifiers: ClinVar variation 2639519 (VCV002639519.24), dbSNP rs764756989, ClinGen allele CA1215566.

ClinVar aggregate classification (germline): Likely benign (1 of 4 stars; one submission).

Allele frequency attached by ClinVar (database versions not stated): TOPMed 0.00001; ExAC 0.00004.
gnomAD v4.1: 30 of 1,613,942 alleles (0.0019%); highest among the groups gnomAD compares: South Asian, 0.022%; no homozygotes.

Submission:

CeGaT Center for Human Genetics Tuebingen
Classification: Likely benign. Last evaluated: 2023-04-01. Review status: criteria provided, single submitter. Criteria: CeGaT Center For Human Genetics Tuebingen Variant Classification Criteria Version 2. Collection method: clinical testing. Allele origin: germline. Affected: yes. Observed: 1 variant allele.
Comment: NOS1AP: BP4, BP7